The following is an entry in ClinVar:

NM_000264.5(PTCH1):c.2219A>G (p.Tyr740Cys)

Genes: PTCH1 (patched 1; minus strand), LOC100507346 (uncharacterized LOC100507346; plus strand). Cytogenetic location: 9q22.32.
Variant type: single nucleotide variant.
Coding change: c.2219A>G on transcript NM_000264.5 (MANE Select); coding-DNA position 2219, A replaced by G.
Protein change: p.Tyr740Cys; replaces tyrosine 740 with cysteine.
Molecular consequence: missense variant. On other transcripts: non-coding transcript variant (2).
Genome position (GRCh38, 1-based): chr9:95,468,782, T>C on the plus strand (A>G on the coding strand, the complement: PTCH1 is on the minus strand). VCF-style: chr9-95468782-T-C. GRCh37 (hg19) VCF-style: chr9-98231064-T-C.
Other names: c.2021A>G, p.Tyr674Cys (NM_001083602.3); c.2216A>G, p.Tyr739Cys (NM_001083603.3); c.1766A>G, p.Tyr589Cys (NM_001083604.3, NM_001083605.3, NM_001083606.3 and 1 more transcripts); c.2063A>G, p.Tyr688Cys (NM_001354918.2); short protein forms Y674C, Y589C, Y739C, Y740C, Y688C.
Identifiers: ClinVar variation 820888 (VCV000820888.13), dbSNP rs1156974460, ClinGen allele CA374115274.

ClinVar aggregate classification (germline): Uncertain significance. Review status: criteria provided, multiple submitters, no conflicts (2 of 4 stars). 3 submissions from 3 submitters: Uncertain significance (3). Last evaluated 2025-10-07.

Conditions:
Hereditary cancer-predisposing syndrome. Also called: Hereditary Cancer Syndrome; Neoplastic Syndromes, Hereditary; Hereditary neoplastic syndrome; Tumor predisposition. Identifiers: Orphanet 140162, MedGen C0027672, MeSH D009386, MONDO:0015356.
Gorlin syndrome. Also called: Nevoid Basal Cell Carcinoma Syndrome; Basal cell nevus syndrome. Identifiers: Orphanet 377, MedGen C0004779, MONDO:0007187.

Allele frequency attached by ClinVar (database versions not stated): gnomAD exomes below 0.00001; TOPMed below 0.00001; gnomAD 0.00001.
gnomAD v4.1: 4 of 1,614,038 alleles (0.00025%); highest among the groups gnomAD compares: African/African-American, 0.0013%; no homozygotes.

Submissions (3):

Labcorp Genetics (formerly Invitae), Labcorp
Classification: Uncertain significance for Gorlin syndrome. Last evaluated: 2025-10-07. Review status: criteria provided, single submitter. Criteria: Invitae Variant Classification Sherloc (09022015). Collection method: clinical testing. Allele origin: germline.
Comment: This sequence change replaces tyrosine, which is neutral and polar, with cysteine, which is neutral and slightly polar, at codon 740 of the PTCH1 protein (p.Tyr740Cys). This variant is not present in population databases (gnomAD no frequency). This variant has not been reported in the literature in individuals affected with PTCH1-related conditions. ClinVar contains an entry for this variant (Variation ID: 820888). Invitae Evidence Modeling of protein sequence and biophysical properties (such as structural, functional, and spatial information, amino acid conservation, physicochemical variation, residue mobility, and thermodynamic stability) has been performed for this missense variant. However, the output from this modeling did not meet the statistical confidence thresholds required to predict the impact of this variant on PTCH1 protein function. In summary, the available evidence is currently insufficient to determine the role of this variant in disease. Therefore, it has been classified as a Variant of Uncertain Significance.

Ambry Genetics
Classification: Uncertain significance for Hereditary cancer-predisposing syndrome. Last evaluated: 2025-04-03. Review status: criteria provided, single submitter. Criteria: Ambry Variant Classification Scheme 2023. Collection method: clinical testing. Allele origin: germline.

GeneDx
Classification: Uncertain significance. Last evaluated: 2019-04-02. Review status: criteria provided, single submitter. Criteria: GeneDx Variant Classification Process June 2021. Collection method: clinical testing. Allele origin: germline. Affected: yes.
Comment: Not observed in large population cohorts (Lek et al., 2016); In silico analysis, which includes protein predictors and evolutionary conservation, supports a deleterious effect; Has not been previously published as pathogenic or benign to our knowledge